The following is an entry in ClinVar:

NM_000432.4(MYL2):c.55_57del (p.Ser19del)

Genes: MYL2 (myosin light chain 2; minus strand), LOC114827850 (VISTA enhancer hs2149; plus strand). Cytogenetic location: 12q24.11.
Variant type: Deletion.
Coding change: c.55_57del on transcript NM_000432.4 (MANE Select); coding-DNA positions 55 to 57, 3 bases deleted (TCC; older notation c.55_57delTCC).
Protein change: p.Ser19del; deletes serine 19.
Molecular consequence: inframe deletion. On other transcripts: 5 prime UTR variant (1), inframe indel (1).
Genome position (GRCh38, 1-based): chr12:110,919,140-110,919,142, GGA deleted on the plus strand (TCC on the coding strand, the reverse complement: MYL2 is on the minus strand); deleting any 3 consecutive bases within chr12:110,919,140-110,919,143 gives the same sequence; the c. name uses the placement nearest the transcript's 3' end. VCF-style (leftmost placement, unchanged base first): chr12-110919139-TGGA-T. GRCh37 (hg19) VCF-style: chr12-111356943-TGGA-T.
Other names: c.55_57del, p.Ser19del (NM_001406745.1); c.-3_-1del (NM_001406916.1); c.55_57delTCC (NM_000432.3); short protein forms S19del.
Identifiers: ClinVar variation 4860605 (VCV004860605.1).

ClinVar aggregate classification (germline): Uncertain significance (1 of 4 stars; one submission).

Conditions:
Cardiovascular phenotype. Identifiers: MedGen CN230736.

Submission:

Ambry Genetics
Classification: Uncertain significance for Cardiovascular phenotype. Last evaluated: 2026-05-27. Review status: criteria provided, single submitter. Criteria: Ambry Variant Classification Scheme 2023. Collection method: clinical testing. Allele origin: germline.
Comment: The c.55_57delTCC variant (also known as p.S19del) is located in coding exon 2 of the MYL2 gene. This variant results from an in-frame TCC deletion at nucleotide positions 55 to 57. This results in the in-frame deletion of a serine at codon 19. This amino acid position is highly conserved in available vertebrate species. In addition, this variant is predicted to be deleterious by in silico analysis (Choi Y et al. PLoS ONE. 2012; 7(10):e46688). Based on the available evidence, the clinical significance of this variant remains unclear.